The following is an entry in ClinVar:

ClinVar aggregate classification (germline): Likely benign. Review status: criteria provided, multiple submitters, no conflicts (2 of 4 stars). 2 submissions from 2 submitters: Likely benign (2). Last evaluated 2023-08-15.

Conditions:
Familial thoracic aortic aneurysm and aortic dissection (TAAD). Also called: Thoracic aortic aneurysms and dissections. Identifiers: Orphanet 91387, MedGen C4707243, MONDO:0019625.

Allele frequency attached by ClinVar (database versions not stated): gnomAD exomes below 0.00001; TOPMed below 0.00001.
gnomAD v4.1: 1 of 1,614,224 alleles (0.000062%); highest among the groups gnomAD compares: Non-Finnish European, 0.000085%; no homozygotes.

Submissions (2):

All of Us Research Program, National Institutes of Health
Classification: Likely benign for Familial thoracic aortic aneurysm and aortic dissection. Last evaluated: 2023-08-15. Review status: criteria provided, single submitter. Criteria: ACMG Guidelines, 2015. Collection method: clinical testing. Allele origin: germline. Inheritance: Autosomal dominant inheritance. Observed: 1 variant allele, 1 heterozygote.
Comment: This study involves interpretation of variants in research participants for the purpose of population health screening. Participant phenotype was not available at the time of variant classification. Additional details can be found in publication PMID: 35346344, PMCID: PMC8962531

Color Diagnostics, LLC DBA Color Health
Classification: Likely benign for Familial thoracic aortic aneurysm and aortic dissection. Last evaluated: 2020-10-06. Review status: criteria provided, single submitter. Criteria: ACMG Guidelines, 2015. Collection method: clinical testing. Allele origin: germline.

NM_002474.3(MYH11):c.4482G>A (p.Glu1494=)

Genes: MYH11 (myosin heavy chain 11; minus strand), NDE1 (nudE neurodevelopment protein 1; plus strand). Cytogenetic location: 16p13.11.
Variant type: single nucleotide variant.
Coding change: c.4482G>A on transcript NM_002474.3 (MANE Select); coding-DNA position 4482, G replaced by A.
Protein change: p.Glu1494=; no amino-acid change (glutamic acid 1494 retained).
Molecular consequence: synonymous variant. On other transcripts: intron variant (2).
Genome position (GRCh38, 1-based): chr16:15,721,518, C>T on the plus strand (G>A on the coding strand, the complement: MYH11 is on the minus strand). VCF-style: chr16-15721518-C-T. GRCh37 (hg19) VCF-style: chr16-15815375-C-T.
Other names: c.4503G>A, p.Glu1501= (NM_001040113.2, NM_001040114.2); c.4482G>A, p.Glu1494= (NM_022844.3); c.948-2673C>T (NM_001143979.2, NM_017668.3).
Identifiers: ClinVar variation 1171119 (VCV001171119.3), dbSNP rs1214180465, ClinGen allele CA494087859.